The following is an entry in ClinVar:

ClinVar aggregate classification (germline): Likely pathogenic. Review status: criteria provided, single submitter (1 of 4 stars). 2 submissions from 2 submitters: Likely pathogenic (1). 1 of the submissions does not count toward it.

Conditions:
Tuberous sclerosis 1 (TSC1). Identifiers: Orphanet 805, MedGen C1854465, MONDO:0008612, OMIM 191100.

Submissions (2):

Neuberg Centre For Genomic Medicine, NCGM
Classification: Likely pathogenic for Tuberous sclerosis 1. Review status: criteria provided, single submitter. Criteria: ACMG Guidelines, 2015. Collection method: clinical testing. Allele origin: germline. Inheritance: Autosomal dominant inheritance. Affected: yes.
Comment: The stop gained variant c.1996A>T (p.Lys666Ter) in TSC1, has been previously reported in ClinVar database as Pathogenic (RCV001199385) by a single submitter with a status of no assertion criteria provided. The c.1996A>T variant is not reported in population databases like gnomAD Exomes and 1000 Genomes. The nucleotide change c.1996A>T in TSC1 is predicted as conserved by GERP++ and PhyloP across 100 vertebrates. This variant is predicted to cause loss of normal protein function. Loss of function variants have been previously reported to be disease causing. For these reasons, this variant has been classified as Likely Pathogenic.

Division of Genomic Medicine, Department of Advanced Medicine, Medical Research Institute, Kanazawa Medical University
Classification: Pathogenic for Tuberous sclerosis 1. Last evaluated: 2020-06-09. Review status: no assertion criteria provided. Collection method: clinical testing. Allele origin: germline. Affected: yes. Observed: 1 variant allele. Not counted in ClinVar's aggregate classification.

NM_000368.5(TSC1):c.1996A>T (p.Lys666Ter)

Gene: TSC1 (TSC complex subunit 1; minus strand). Cytogenetic location: 9q34.13.
Variant type: single nucleotide variant.
Coding change: c.1996A>T on transcript NM_000368.5 (MANE Select); coding-DNA position 1996, A replaced by T.
Protein change: p.Lys666Ter; replaces lysine 666 with a stop codon.
Molecular consequence: nonsense.
Genome position (GRCh38, 1-based): chr9:132,905,582, T>A on the plus strand (A>T on the coding strand, the complement: TSC1 is on the minus strand). VCF-style: chr9-132905582-T-A. GRCh37 (hg19) VCF-style: chr9-135780969-T-A.
Other names: c.1993A>T, p.Lys665Ter (NM_001162426.2); c.1843A>T, p.Lys615Ter (NM_001162427.2); c.1633A>T, p.Lys545Ter (NM_001362177.2); short protein forms K545*, K615*, K665*, K666*.
Identifiers: ClinVar variation 932150 (VCV000932150.1), dbSNP rs1845604585, ClinGen allele CA375362214.
Genomic context (GRCh38, chr9:132,905,582, plus strand): 5'-TCTGTACTTCACAATAAAATGGACCATTTAACACAGAAGAGAGTGCCCCAGTCCCTTACT[T>A]GTTCAGCTCCTTGCTGTGCGCGTCTGCTCCCTGCTGTATCAGTCTGTCCAGCACTTCCAT-3'